The following is an entry in ClinVar:

NM_001195553.2(DCX):c.814C>T (p.Arg272Ter)

Gene: DCX (doublecortin; minus strand). Cytogenetic location: Xq23.
Variant type: single nucleotide variant.
Coding change: c.814C>T on transcript NM_001195553.2 (MANE Select); coding-DNA position 814, C replaced by T.
Protein change: p.Arg272Ter; replaces arginine 272 with a stop codon.
Molecular consequence: nonsense.
Genome position (GRCh38, 1-based): chrX:111,331,036, G>A on the plus strand (C>T on the coding strand, the complement: DCX is on the minus strand). VCF-style: chrX-111331036-G-A. GRCh37 (hg19) VCF-style: chrX-110574264-G-A.
Other names: c.814C>T (NM_178153.2); c.814C>T, p.Arg272Ter (NM_001369370.1, NM_001369371.1, NM_001369372.1 and 5 more transcripts); c.1057C>T, p.Arg353Ter (NM_000555.3); short protein forms R272*, R353*.
Identifiers: ClinVar variation 158509 (VCV000158509.21), dbSNP rs587783590, ClinGen allele CA172080.
Genomic context (GRCh38, chrX:111,331,036, plus strand): 5'-TCTGAGGTGTTGGGGATGCCTTTGGGCCAGCTGTGGCTGATGGGTTTCCCTTCATGACTC[G>A]GCATTCTGGGGCAAAAGGACACAGACAGCTTAGTAGAGGATAAAACAGGCTCAGCATGTT-3'

ClinVar aggregate classification (germline): Pathogenic. Review status: criteria provided, multiple submitters, no conflicts (2 of 4 stars). 10 submissions from 10 submitters: Pathogenic (8). 2 of the submissions do not count toward it. Last evaluated 2025-01-10.

Conditions:
Inborn genetic diseases. Identifiers: MedGen C0950123, MeSH D030342.
Lissencephaly type 1 due to doublecortin gene mutation. Also called: LISSENCEPHALY, X-LINKED, 1; LISSENCEPHALY AND AGENESIS OF CORPUS CALLOSUM. Identifiers: Orphanet 2148, MedGen C4551968, MONDO:0010239, OMIM 300067.
Ectopic tissue. Also called: Heterotopia. Identifiers: MedGen C0008519.

Allele frequency attached by ClinVar (database versions not stated): gnomAD exomes below 0.00001.
gnomAD v4.1: 1 of 1,210,576 alleles (0.000083%); no homozygotes.

Submissions (10):

Department of Neurology, Zibo Changguo Hospital
Classification: Pathogenic for Lissencephaly type 1 due to doublecortin gene mutation. Last evaluated: 2025-01-10. Review status: criteria provided, single submitter. Criteria: ACMG Guidelines, 2015. Collection method: clinical testing. Allele origin: germline. Inheritance: X-linked inheritance. Affected: yes.
Comment: PVS1, PM2_Supporting, PS4_Supporting

GeneDx
Classification: Pathogenic. Last evaluated: 2024-02-28. Review status: criteria provided, single submitter. Criteria: GeneDx Variant Classification Process June 2021. Collection method: clinical testing. Allele origin: germline. Affected: yes.
Comment: Nonsense variant predicted to result in protein truncation or nonsense mediated decay in a gene for which loss of function is a known mechanism of disease; This variant is associated with the following publications: (PMID: 25525159, 23365099, 11175293, 25868952, 10369164)

Institute for Medical Genetics and Human Genetics, Charité - Universitätsmedizin Berlin
Classification: Pathogenic for Lissencephaly type 1 due to doublecortin gene mutation. Last evaluated: 2022-09-16. Review status: criteria provided, single submitter. Criteria: ACMG Guidelines, 2015. Collection method: clinical testing. Allele origin: germline. Inheritance: X-linked inheritance. Affected: yes. Observed: 1 heterozygote.

Labcorp Genetics (formerly Invitae), Labcorp
Classification: Pathogenic. Last evaluated: 2022-09-09. Review status: criteria provided, single submitter. Criteria: Invitae Variant Classification Sherloc (09022015). Collection method: clinical testing. Allele origin: germline.
Comment: For these reasons, this variant has been classified as Pathogenic. ClinVar contains an entry for this variant (Variation ID: 158509). This premature translational stop signal has been observed in individual(s) with X-linked lissencephaly and subcortical band heterotopia (PMID: 10369164). This variant is present in population databases (rs587783590, gnomAD 0.006%). This sequence change creates a premature translational stop signal (p.Arg272*) in the DCX gene. It is expected to result in an absent or disrupted protein product. Loss-of-function variants in DCX are known to be pathogenic (PMID: 11175293, 23365099).

Institute of Human Genetics, University of Leipzig Medical Center
Classification: Pathogenic for Lissencephaly type 1 due to doublecortin gene mutation. Last evaluated: 2022-08-09. Review status: criteria provided, single submitter. Criteria: ACMG Guidelines, 2015. Collection method: clinical testing. Allele origin: unknown. Affected: yes.
Comment: This variant was identified as mosaic (app 30 %) Criteria applied: PVS1, PS4_MOD, PM2_SUP

Ambry Genetics
Classification: Pathogenic for Inborn genetic diseases. Last evaluated: 2018-12-03. Review status: criteria provided, single submitter. Criteria: Ambry Variant Classification Scheme 2023. Collection method: clinical testing. Allele origin: germline.
Comment: The p.R272* pathogenic mutation (also known as c.814C>T), located in coding exon 4 of the DCX gene, results from a C to T substitution at nucleotide position 814. This changes the amino acid from an arginine to a stop codon within coding exon 4. This mutation has been detected in familial and sporadic cases of subcortical band heterotopia (SBH) and seizures (Kato M et al. Hum. Genet., 1999 Apr;104:341-4; Matsumoto N et al. Eur. J. Hum. Genet., 2001 Jan;9:5-12 Bahi-Buisson N et al. Brain, 2013 Jan;136:223-44). This alteration is expected to result in loss of function by premature protein truncation or nonsense-mediated mRNA decay. As such, this alteration is interpreted as a disease-causing mutation.

Genetic Services Laboratory, University of Chicago
Classification: Pathogenic for Abnormality of neuronal migration. Last evaluated: 2014-05-21. Review status: criteria provided, single submitter. Criteria: ACMG Guidelines, 2015. Collection method: clinical testing. Allele origin: germline. Inheritance: Autosomal dominant inheritance. Affected: yes.

Juno Genomics, Hangzhou Juno Genomics, Inc
Classification: Pathogenic for Lissencephaly type 1 due to doublecortin gene mutation. Review status: criteria provided, single submitter. Criteria: ACMG Guidelines, 2015. Collection method: clinical testing. Allele origin: germline. Affected: yes.
Comment: Absent from controls (or at extremely low frequency if recessive) in Genome Aggregation Database.;Null variant in a gene where loss of function (LOF) is a known mechanism of disease.;The prevalence of the variant in affected individuals is significantly increased compared to the prevalence in controls.;De novo (both maternity and paternity confirmed) in a patient with the disease and no family history.

Clinical Genetics DNA and cytogenetics Diagnostics Lab, Erasmus MC, Erasmus Medical Center
Classification: Pathogenic. Review status: no assertion criteria provided. Collection method: clinical testing. Allele origin: germline. Affected: yes. Study: VKGL Data-share Consensus. Not counted in ClinVar's aggregate classification.

Joint Genome Diagnostic Labs from Nijmegen and Maastricht, Radboudumc and MUMC+
Classification: Pathogenic. Review status: no assertion criteria provided. Collection method: clinical testing. Allele origin: germline. Affected: yes. Study: VKGL Data-share Consensus. Not counted in ClinVar's aggregate classification.

Literature cited by the submitters: PubMed 10369164 (cited by Labcorp Genetics (formerly Invitae), Labcorp and Ambry Genetics); PubMed 11175293 (cited by Labcorp Genetics (formerly Invitae), Labcorp and Ambry Genetics); PubMed 23365099 (cited by Labcorp Genetics (formerly Invitae), Labcorp and Ambry Genetics); PubMed 12552055 (cited by Ambry Genetics); PubMed 25868952 (cited by Ambry Genetics).